The following is an entry in ClinVar:

NM_001142966.3(GREB1L):c.2519C>G (p.Ser840Cys)

Gene: GREB1L (GREB1 like retinoic acid receptor coactivator; plus strand). Cytogenetic location: 18q11.1.
Variant type: single nucleotide variant.
Coding change: c.2519C>G on transcript NM_001142966.3 (MANE Select); coding-DNA position 2519, C replaced by G.
Protein change: p.Ser840Cys; replaces serine 840 with cysteine.
Molecular consequence: missense variant.
Genome position (GRCh38, 1-based): chr18:21,477,319, C>G. VCF-style: chr18-21477319-C-G. GRCh37 (hg19) VCF-style: chr18-19057280-C-G.
Other names: c.2519C>G (NM_001142966.1); c.2648C>G, p.Ser883Cys (NM_001410867.1); c.2192C>G, p.Ser731Cys (NM_001410868.1); short protein forms S883C, S731C, S840C.
Identifiers: ClinVar variation 2697779 (VCV002697779.4), dbSNP rs377041006, ClinGen allele CA8906499.

ClinVar aggregate classification (germline): Conflicting classifications of pathogenicity. Review status: criteria provided, conflicting classifications (1 of 4 stars). 2 submissions from 2 submitters: Uncertain significance (1); Likely benign (1). Last evaluated 2026-09-15.

Conditions:
GREB1L-related disorder. Also called: GREB1L-related condition.

Allele frequency attached by ClinVar (database versions not stated): gnomAD exomes 0.00001; ExAC 0.00009; 1000 Genomes Project 0.00020; gnomAD 0.00023; TOPMed 0.00023; 1000 Genomes Project 30x 0.00031; ESP Exome Variant Server 0.00044.

Submissions (2):

PreventionGenetics, part of Exact Sciences
Classification: Likely benign for GREB1L-related condition. Last evaluated: 2026-09-15. Review status: criteria provided, single submitter. Criteria: ACMG Guidelines, 2015. Collection method: clinical testing. Allele origin: germline.
Comment: This variant is classified as likely benign based on ACMG/AMP sequence variant interpretation guidelines (Richards et al. 2015 PMID: 25741868, with internal and published modifications).

Labcorp Genetics (formerly Invitae), Labcorp
Classification: Uncertain significance. Last evaluated: 2025-06-22. Review status: criteria provided, single submitter. Criteria: Invitae Variant Classification Sherloc (09022015). Collection method: clinical testing. Allele origin: germline.
Comment: This sequence change replaces serine, which is neutral and polar, with cysteine, which is neutral and slightly polar, at codon 840 of the GREB1L protein (p.Ser840Cys). This variant is present in population databases (rs377041006, gnomAD 0.06%), and has an allele count higher than expected for a pathogenic variant. This variant has not been reported in the literature in individuals affected with GREB1L-related conditions. ClinVar contains an entry for this variant (Variation ID: 2697779). An algorithm developed to predict the effect of missense changes on protein structure and function (PolyPhen-2) suggests that this variant is likely to be disruptive. In summary, the available evidence is currently insufficient to determine the role of this variant in disease. Therefore, it has been classified as a Variant of Uncertain Significance.